The following is an entry in ClinVar:

ClinVar aggregate classification (germline): Uncertain significance (1 of 4 stars; one submission).

Conditions:
Arrhythmogenic right ventricular dysplasia 9 (ARVD9). Also called: ARRHYTHMOGENIC RIGHT VENTRICULAR DYSPLASIA, FAMILIAL, 9; Arrhythmogenic Right Ventricular Dysplasia/Cardiomyopathy 9. Identifiers: MedGen C1836906, MONDO:0012180, OMIM 609040.

Submission:

Labcorp Genetics (formerly Invitae), Labcorp
Classification: Uncertain significance for Arrhythmogenic right ventricular dysplasia 9. Last evaluated: 2019-10-02. Review status: criteria provided, single submitter. Criteria: Invitae Variant Classification Sherloc (09022015). Collection method: clinical testing. Allele origin: germline.
Comment: In summary, the available evidence is currently insufficient to determine the role of this variant in disease. Therefore, it has been classified as a Variant of Uncertain Significance. Algorithms developed to predict the effect of missense changes on protein structure and function are either unavailable or do not agree on the potential impact of this missense change (SIFT: "Tolerated"; PolyPhen-2: "Possibly Damaging"; Align-GVGD: "Class C0"). This variant has not been reported in the literature in individuals with PKP2-related conditions. This variant is not present in population databases (ExAC no frequency). This sequence change replaces arginine with proline at codon 811 of the PKP2 protein (p.Arg811Pro). The arginine residue is highly conserved and there is a moderate physicochemical difference between arginine and proline.

NM_001005242.3(PKP2):c.2300G>C (p.Arg767Pro)

Gene: PKP2 (plakophilin 2; minus strand). Cytogenetic location: 12p11.21.
Variant type: single nucleotide variant.
Coding change: c.2300G>C on transcript NM_001005242.3 (MANE Select); coding-DNA position 2300, G replaced by C.
Protein change: p.Arg767Pro; replaces arginine 767 with proline.
Molecular consequence: missense variant.
Genome position (GRCh38, 1-based): chr12:32,796,166, C>G on the plus strand (G>C on the coding strand, the complement: PKP2 is on the minus strand). VCF-style: chr12-32796166-C-G. GRCh37 (hg19) VCF-style: chr12-32949100-C-G.
Other names: c.2432G>C, p.Arg811Pro (NM_004572.4); short protein forms R767P, R811P.
Identifiers: ClinVar variation 960704 (VCV000960704.9), dbSNP rs533884071, ClinGen allele CA384357675.
Genomic context (GRCh38, chr12:32,796,166, plus strand): 5'-TACGCATCGCCTGCACTAATGGCCATAATTTTCTGGATGCCCCCGGTGTTTAGAAGGTCG[C>G]GTGCATTCTGGTAACTGTTTTGGATTATGTTGTTCAATGTGTAACAGGCAGAGGCTGTAG-3'
Protein context (NP_001005242.2, residues 757-777): NIIQNSYQNA[Arg767Pro]DLLNTGGIQK